The following is an entry in ClinVar:

ClinVar aggregate classification (germline): Likely benign. Review status: criteria provided, multiple submitters, no conflicts (2 of 4 stars). 2 submissions from 2 submitters: Likely benign (2). Last evaluated 2025-04-08.

Conditions:
Developmental and epileptic encephalopathy, 1 (DEE1). Also called: INFANTILE SPASM SYNDROME, X-LINKED 1; X-linked infantile spasms; West's syndrome; Tonic spasms with clustering, arrest of psychomotor development and hypsarrhythmia on EEG; X-Linked Infantile Spasm Syndrome; OHTAHARA SYNDROME, X-LINKED. Identifiers: MedGen C3463992, MONDO:0010632, OMIM 308350. Disease mechanism: loss of function.
Autosomal dominant nonsyndromic hearing loss 65. Also called: Deafness, autosomal dominant 65; TBC1D24-Related Autosomal Dominant Nonsyndromic Hearing Loss (DFNA). Identifiers: Orphanet 90635, MedGen C3892048, MONDO:0014470, OMIM 616044.

Allele frequency attached by ClinVar (database versions not stated): TOPMed 0.00004; gnomAD 0.00005 and 0.00015; ExAC 0.00007; gnomAD exomes 0.00007 and 0.00016; 1000 Genomes Project 30x 0.00094; 1000 Genomes Project 0.00120.
gnomAD v4.1: 248 of 1,609,718 alleles (0.015%); highest among the groups gnomAD compares: East Asian, 0.47%; 4 homozygotes.

Submissions (2):

Labcorp Genetics (formerly Invitae), Labcorp
Classification: Likely benign for Developmental and epileptic encephalopathy, 1; Autosomal dominant nonsyndromic hearing loss 65. Last evaluated: 2025-04-08. Review status: criteria provided, single submitter. Criteria: Invitae Variant Classification Sherloc (09022015). Collection method: clinical testing. Allele origin: germline.

CeGaT Center for Human Genetics Tuebingen
Classification: Likely benign. Last evaluated: 2023-09-01. Review status: criteria provided, single submitter. Criteria: CeGaT Center For Human Genetics Tuebingen Variant Classification Criteria Version 2. Collection method: clinical testing. Allele origin: germline. Affected: yes. Observed: 1 variant allele.
Comment: TBC1D24: BP4, BP7

NM_001199107.2(TBC1D24):c.1392C>T (p.Thr464=)

Gene: TBC1D24 (TBC1 domain family member 24; plus strand). Cytogenetic location: 16p13.3.
Variant type: single nucleotide variant.
Coding change: c.1392C>T on transcript NM_001199107.2 (MANE Select); coding-DNA position 1392, C replaced by T.
Protein change: p.Thr464=; no amino-acid change (threonine 464 retained).
Molecular consequence: synonymous variant.
Genome position (GRCh38, 1-based): chr16:2,500,357, C>T. VCF-style: chr16-2500357-C-T. GRCh37 (hg19) VCF-style: chr16-2550358-C-T.
Other names: c.1374C>T, p.Thr458= (NM_020705.3).
Identifiers: ClinVar variation 238626 (VCV000238626.36), dbSNP rs199865687, ClinGen allele CA7844282.